The following is an entry in ClinVar:

NM_020461.4(TUBGCP6):c.3308G>A (p.Arg1103Gln)

Gene: TUBGCP6 (tubulin gamma complex component 6; minus strand). Cytogenetic location: 22q13.33.
Variant type: single nucleotide variant.
Coding change: c.3308G>A on transcript NM_020461.4 (MANE Select); coding-DNA position 3308, G replaced by A.
Protein change: p.Arg1103Gln; replaces arginine 1103 with glutamine.
Molecular consequence: missense variant.
Genome position (GRCh38, 1-based): chr22:50,221,051, C>T on the plus strand (G>A on the coding strand, the complement: TUBGCP6 is on the minus strand). VCF-style: chr22-50221051-C-T. GRCh37 (hg19) VCF-style: chr22-50659480-C-T.
Other names: short protein forms R1103Q.
Identifiers: ClinVar variation 1483021 (VCV001483021.6), dbSNP rs199815606, ClinGen allele CA10307989.

ClinVar aggregate classification (germline): Uncertain significance. Review status: criteria provided, multiple submitters, no conflicts (2 of 4 stars). 2 submissions from 2 submitters: Uncertain significance (2). Last evaluated 2022-03-17.

Conditions:
Microcephaly and chorioretinopathy 1. Also called: Microcephaly and chorioretinopathy, autosomal recessive, 1. Identifiers: MedGen C3278481, MONDO:0009624, OMIM 251270.

Allele frequency attached by ClinVar (database versions not stated): ExAC 0.00001; gnomAD 0.00001 and 0.00002; gnomAD exomes 0.00001; TOPMed 0.00001; 1000 Genomes Project 30x 0.00031; 1000 Genomes Project 0.00040.
gnomAD v4.1: 12 of 1,612,800 alleles (0.00074%); highest among the groups gnomAD compares: African/African-American, 0.0054%; no homozygotes.

Submissions (2):

Labcorp Genetics (formerly Invitae), Labcorp
Classification: Uncertain significance. Last evaluated: 2022-03-17. Review status: criteria provided, single submitter. Criteria: Invitae Variant Classification Sherloc (09022015). Collection method: clinical testing. Allele origin: germline.
Comment: This sequence change replaces arginine, which is basic and polar, with glutamine, which is neutral and polar, at codon 1103 of the TUBGCP6 protein (p.Arg1103Gln). This variant is present in population databases (rs199815606, gnomAD 0.008%). This variant has not been reported in the literature in individuals affected with TUBGCP6-related conditions. Algorithms developed to predict the effect of missense changes on protein structure and function output the following: SIFT: "Deleterious"; PolyPhen-2: "Possibly Damaging"; Align-GVGD: "Class C0". The glutamine amino acid residue is found in multiple mammalian species, which suggests that this missense change does not adversely affect protein function. Algorithms developed to predict the effect of sequence changes on RNA splicing suggest that this variant may create or strengthen a splice site. In summary, the available evidence is currently insufficient to determine the role of this variant in disease. Therefore, it has been classified as a Variant of Uncertain Significance.

Department of Pathology and Laboratory Medicine, Sinai Health System
Classification: Uncertain significance for Microcephaly and chorioretinopathy 1. Last evaluated: 2020-06-12. Review status: criteria provided, single submitter. Criteria: ACMG Guidelines, 2015. Collection method: research. Allele origin: germline.